The following is an entry in ClinVar:

ClinVar aggregate classification (germline): Uncertain significance (1 of 4 stars; one submission).

Submission:

Women's Health and Genetics/Laboratory Corporation of America, LabCorp
Classification: Uncertain significance. Last evaluated: 2026-02-09. Review status: criteria provided, single submitter. Criteria: LabCorp Variant Classification Summary - May 2015. Collection method: clinical testing. Allele origin: germline.
Comment: Variant summary: The variant involves the duplication of exons 4-8 in the EYS gene. A presumed nomenclature of c.(-198+1_-197-1)_(1299+1_1300-1)dup has been designated for the purposes of this classification. The exact breakpoint at the 5' end of this variant is unknown, therefore this duplication may extend upstream of the annotated region of this gene. It is predicted to duplicate a segment including the initiation codon, therefore its impact on the encoded protein is unknown. A similar duplication allele was found at a frequency of 1.9e-05 in 462877 control chromosomes in the gnomAD database (CNVs v4.1 dataset). The available data on variant occurrences in the general population are insufficient to allow any conclusion about variant significance. The variant has been observed in individual(s) affected with Retinitis Pigmentosa (Labcorp Genetics (formerly Invitae), internal data). These data do not allow any conclusion about variant significance. To our knowledge, no experimental evidence demonstrating an impact on protein function has been reported. ClinVar contains an entry for this variant (Variation ID: 832154). Based on the evidence outlined above, the variant was classified as uncertain significance.

NC_000006.11:g.(66063511_66094278)_(66205501_66205751)dup

Gene: EYS (EGF-like photoreceptor maintenance factor; minus strand). Cytogenetic location: 6q12.
Variant type: Duplication.
Identifiers: ClinVar variation 4847973 (VCV004847973.1).